The following is an entry in ClinVar:

NM_198253.3(TERT):c.3322C>T (p.Pro1108Ser)

Gene: TERT (telomerase reverse transcriptase; minus strand). Cytogenetic location: 5p15.33.
Variant type: single nucleotide variant.
Coding change: c.3322C>T on transcript NM_198253.3 (MANE Select); coding-DNA position 3322, C replaced by T.
Protein change: p.Pro1108Ser; replaces proline 1108 with serine.
Molecular consequence: missense variant. On other transcripts: non-coding transcript variant (2).
Genome position (GRCh38, 1-based): chr5:1,253,805, G>A on the plus strand (C>T on the coding strand, the complement: TERT is on the minus strand). VCF-style: chr5-1253805-G-A. GRCh37 (hg19) VCF-style: chr5-1253920-G-A.
Other names: c.3133C>T, p.Pro1045Ser (NM_001193376.3); c.3322C>T, p.Pro1108Ser (NM_003219.1); short protein forms P1045S, P1108S.
Identifiers: ClinVar variation 2496731 (VCV002496731.6), dbSNP rs763647787, ClinGen allele CA112922600.
Genomic context (GRCh38, chr5:1,253,805, plus strand): 5'-TGAAGTCTGAGGGCAGTGCCGGGTTGGCTGCGGCCTCCAGGGCAGTCAGCGTCGTCCCCG[G>A]GAGCTTCCGACTCAGCTGCGTCTGGGCTGCGGGGCCAAAATCAGACTCCGTTCCAGAAGA-3'
Protein context (NP_937983.2, residues 1098-1118): TAQTQLSRKL[Pro1108Ser]GTTLTALEAA

ClinVar aggregate classification (germline): Uncertain significance. Review status: criteria provided, multiple submitters, no conflicts (2 of 4 stars). 2 submissions from 2 submitters: Uncertain significance (2). Last evaluated 2024-11-24.

Conditions:
Dyskeratosis congenita. Identifiers: Orphanet 1775, MedGen C0265965, MONDO:0015780.
Dyskeratosis congenita, autosomal dominant 2. Identifiers: MedGen C3151443, MONDO:0013521, OMIM 613989.
Idiopathic Pulmonary Fibrosis. Also called: Idiopathic fibrosing alveolitis, chronic form; idiopathic fibrosing alveolitis. Identifiers: Orphanet 2032, MedGen C1800706, MeSH D054990, MONDO:0800504.

Allele frequency attached by ClinVar (database versions not stated): gnomAD exomes below 0.00001; TOPMed 0.00001.
gnomAD v4.1: 1 of 1,611,452 alleles (0.000062%); highest among the groups gnomAD compares: Admixed American, 0.0017%; no homozygotes.

Submissions (2):

Ambry Genetics
Classification: Uncertain significance for Dyskeratosis congenita. Last evaluated: 2024-11-24. Review status: criteria provided, single submitter. Criteria: Ambry Variant Classification Scheme 2023. Collection method: clinical testing. Allele origin: germline.

Labcorp Genetics (formerly Invitae), Labcorp
Classification: Uncertain significance for Dyskeratosis congenita, autosomal dominant 2; Idiopathic Pulmonary Fibrosis. Last evaluated: 2023-11-04. Review status: criteria provided, single submitter. Criteria: Invitae Variant Classification Sherloc (09022015). Collection method: clinical testing. Allele origin: germline.
Comment: This sequence change replaces proline, which is neutral and non-polar, with serine, which is neutral and polar, at codon 1108 of the TERT protein (p.Pro1108Ser). This variant is present in population databases (rs763647787, gnomAD 0.003%). This variant has not been reported in the literature in individuals affected with TERT-related conditions. ClinVar contains an entry for this variant (Variation ID: 2496731). Advanced modeling of protein sequence and biophysical properties (such as structural, functional, and spatial information, amino acid conservation, physicochemical variation, residue mobility, and thermodynamic stability) performed at Invitae indicates that this missense variant is expected to disrupt TERT protein function with a positive predictive value of 95%. In summary, the available evidence is currently insufficient to determine the role of this variant in disease. Therefore, it has been classified as a Variant of Uncertain Significance.